The following is an entry in ClinVar:

NM_032634.4(PIGO):c.589_590del (p.Pro197fs)

Gene: PIGO (phosphatidylinositol glycan anchor biosynthesis class O; minus strand). Cytogenetic location: 9p13.3.
Variant type: Deletion.
Coding change: c.589_590del on transcript NM_032634.4 (MANE Select); coding-DNA positions 589 to 590, 2 bases deleted (CC; older notation c.589_590delCC).
Protein change: p.Pro197fs; shifts the reading frame from proline 197.
Molecular consequence: frameshift variant.
Genome position (GRCh38, 1-based): chr9:35,094,281-35,094,282, GG deleted on the plus strand (CC on the coding strand, the reverse complement: PIGO is on the minus strand); deleting any 2 consecutive bases within chr9:35,094,281-35,094,283 gives the same sequence; the c. name uses the placement nearest the transcript's 3' end. VCF-style (leftmost placement, unchanged base first): chr9-35094280-TGG-T. GRCh37 (hg19) VCF-style: chr9-35094277-TGG-T.
Other names: c.589_590del, p.Pro197fs (NM_001201484.2, NM_152850.4); short protein forms P197fs.
Identifiers: ClinVar variation 632540 (VCV000632540.10), dbSNP rs763591247, ClinGen allele CA5040895.

ClinVar aggregate classification (germline): Pathogenic/Likely pathogenic. Review status: criteria provided, multiple submitters, no conflicts (2 of 4 stars). 3 submissions from 3 submitters: Pathogenic (1); Likely pathogenic (2). Last evaluated 2025-06-09.

Conditions:
Hyperphosphatasia with impaired intellectual development syndrome 2. Also called: Hyperphosphatasia with intellectual disability syndrome 2; GLYCOSYLPHOSPHATIDYLINOSITOL BIOSYNTHESIS DEFECT 6. Identifiers: Orphanet 247262, MedGen C3553637, MONDO:0013882, OMIM 614749.

Submissions (3):

Variantyx, Inc.
Classification: Likely pathogenic for Hyperphosphatasia with impaired intellectual development syndrome 2. Last evaluated: 2025-06-09. Review status: criteria provided, single submitter. Criteria: Variantyx Assertion Criteria 2022. Collection method: clinical testing. Allele origin: germline. Inheritance: Autosomal recessive inheritance. Affected: no.
Comment: This is a frameshift variant in the PIGO gene (OMIM: 614730). Pathogenic variants in this gene have been associated with autosomal recessive hyperphosphatasia with impaired intellectual development syndrome 2. This variant introduces a premature termination codon in exon 3 out of 11 and is expected to result in loss of function, which is a known disease mechanism for PIGO in this disorder (PMID: 39767685) (PVS1). This variant has a 0.0024% maximum allele frequency in non-founder control populations (PM2). Based on the current evidence, this variant is classified as likely pathogenic for autosomal recessive hyperphosphatasia with impaired intellectual development syndrome 2.

Labcorp Genetics (formerly Invitae), Labcorp
Classification: Pathogenic for Hyperphosphatasia with impaired intellectual development syndrome 2. Last evaluated: 2025-04-16. Review status: criteria provided, single submitter. Criteria: Invitae Variant Classification Sherloc (09022015). Collection method: clinical testing. Allele origin: germline.
Comment: This sequence change creates a premature translational stop signal (p.Pro197Ilefs*26) in the PIGO gene. It is expected to result in an absent or disrupted protein product. Loss-of-function variants in PIGO are known to be pathogenic (PMID: 22683086, 24417746). This variant is present in population databases (rs763591247, gnomAD 0.003%). This variant has not been reported in the literature in individuals affected with PIGO-related conditions. ClinVar contains an entry for this variant (Variation ID: 632540). For these reasons, this variant has been classified as Pathogenic.

GeneDx
Classification: Likely pathogenic. Last evaluated: 2018-10-09. Review status: criteria provided, single submitter. Criteria: GeneDx Variant Classification (06012015). Collection method: clinical testing. Allele origin: germline. Affected: yes.
Comment: A variant that is likely pathogenic has been identified in the PIGO gene. The c.589_590delCC variant is not observed in large population cohorts (Lek et al., 2016). The c.589_590delCC variant causes a frameshift starting with codon Proline 197, changes this amino acid to an Isoleucine residue and creates a premature Stop codon at position 26 of the new reading frame, denoted p.Pro197IlefsX26. This variant is predicted to cause loss of normal protein function either through protein truncation or nonsense-mediated mRNA decay. This variant is likely pathogenic; however, the possibility that it is benign cannot be excluded.

Literature cited by the submitters: PubMed 39767685 (cited by Variantyx, Inc.); PubMed 22683086 (cited by Labcorp Genetics (formerly Invitae), Labcorp); PubMed 24417746 (cited by Labcorp Genetics (formerly Invitae), Labcorp).